The following is an entry in ClinVar:

ClinVar aggregate classification (germline): Uncertain significance (1 of 4 stars; one submission).

Allele frequency attached by ClinVar (database versions not stated): TOPMed below 0.00001; gnomAD 0.00001; gnomAD exomes 0.00001.
gnomAD v4.1: 6 of 1,528,524 alleles (0.00039%); highest among the groups gnomAD compares: Admixed American, 0.011%; no homozygotes.

Submission:

Labcorp Genetics (formerly Invitae), Labcorp
Classification: Uncertain significance. Last evaluated: 2022-03-10. Review status: criteria provided, single submitter. Criteria: Invitae Variant Classification Sherloc (09022015). Collection method: clinical testing. Allele origin: germline.
Comment: In summary, the available evidence is currently insufficient to determine the role of this variant in disease. Therefore, it has been classified as a Variant of Uncertain Significance. Algorithms developed to predict the effect of missense changes on protein structure and function are either unavailable or do not agree on the potential impact of this missense change (SIFT: "Deleterious"; PolyPhen-2: "Probably Damaging"; Align-GVGD: "Class C0"). This variant has not been reported in the literature in individuals affected with OTOGL-related conditions. This variant is not present in population databases (gnomAD no frequency). This sequence change replaces isoleucine, which is neutral and non-polar, with asparagine, which is neutral and polar, at codon 499 of the OTOGL protein (p.Ile499Asn).

NM_001378609.3(OTOGL):c.1523T>A (p.Ile508Asn)

Gene: OTOGL (otogelin like; plus strand). Cytogenetic location: 12q21.31.
Variant type: single nucleotide variant.
Coding change: c.1523T>A on transcript NM_001378609.3 (MANE Select); coding-DNA position 1523, T replaced by A.
Protein change: p.Ile508Asn; replaces isoleucine 508 with asparagine.
Molecular consequence: missense variant.
Genome position (GRCh38, 1-based): chr12:80,255,121, T>A. VCF-style: chr12-80255121-T-A. GRCh37 (hg19) VCF-style: chr12-80648901-T-A.
Other names: c.1523T>A, p.Ile508Asn (NM_001368062.3, NM_001378610.3, NM_173591.7); short protein forms I508N.
Identifiers: ClinVar variation 1348801 (VCV001348801.8), dbSNP rs1251476926, ClinGen allele CA385853393.